The following is an entry in ClinVar:

ClinVar aggregate classification (germline): Uncertain significance (1 of 4 stars; one submission).

Allele frequency attached by ClinVar (database versions not stated): gnomAD exomes below 0.00001 and 0.00001; gnomAD 0.00001; ExAC 0.00002; TOPMed 0.00002.

Submission:

Labcorp Genetics (formerly Invitae), Labcorp
Classification: Uncertain significance. Last evaluated: 2022-07-11. Review status: criteria provided, single submitter. Criteria: Invitae Variant Classification Sherloc (09022015). Collection method: clinical testing. Allele origin: germline.
Comment: This sequence change affects codon 172 of the REEP6 mRNA. It is a 'silent' change, meaning that it does not change the encoded amino acid sequence of the REEP6 protein. It affects a nucleotide within the consensus splice site. This variant is present in population databases (rs776001991, gnomAD 0.0009%). This variant has not been reported in the literature in individuals affected with REEP6-related conditions. ClinVar contains an entry for this variant (Variation ID: 1350755). Algorithms developed to predict the effect of sequence changes on RNA splicing suggest that this variant is not likely to affect RNA splicing. In summary, the available evidence is currently insufficient to determine the role of this variant in disease. Therefore, it has been classified as a Variant of Uncertain Significance.

NM_138393.4(REEP6):c.516C>T (p.Asn172=)

Gene: REEP6 (receptor accessory protein 6; plus strand). Cytogenetic location: 19p13.3.
Variant type: single nucleotide variant.
Coding change: c.516C>T on transcript NM_138393.4 (MANE Select); coding-DNA position 516, C replaced by T.
Protein change: p.Asn172=; no amino-acid change (asparagine 172 retained).
Molecular consequence: synonymous variant.
Genome position (GRCh38, 1-based): chr19:1,496,452, C>T. VCF-style: chr19-1496452-C-T. GRCh37 (hg19) VCF-style: chr19-1496451-C-T.
Other names: c.516C>T, p.Asn172= (NM_001329556.3).
Identifiers: ClinVar variation 1350755 (VCV001350755.5), dbSNP rs776001991, ClinGen allele CA9047602.